The following is an entry in ClinVar:

ClinVar aggregate classification (germline): Benign/Likely benign. Review status: criteria provided, multiple submitters, no conflicts (2 of 4 stars). 8 submissions from 8 submitters: Benign (6); Likely benign (2). Last evaluated 2026-01-28.

Conditions:
Osteogenesis imperfecta type 8 (OI8). Identifiers: MedGen C1970458, MONDO:0012581, OMIM 610915.

Allele frequency attached by ClinVar (database versions not stated): gnomAD exomes 0.00040 and 0.00091; ExAC 0.00204; 1000 Genomes Project 0.00359; 1000 Genomes Project 30x 0.00375; gnomAD 0.00378 and 0.00409; ESP Exome Variant Server 0.00416; TOPMed 0.00434.
gnomAD v4.1: 1,178 of 1,582,822 alleles (0.074%); highest among the groups gnomAD compares: African/African-American, 1.4%; 4 homozygotes.

Submissions (8):

Labcorp Genetics (formerly Invitae), Labcorp
Classification: Benign for Osteogenesis imperfecta type 8. Last evaluated: 2026-01-28. Review status: criteria provided, single submitter. Criteria: Invitae Variant Classification Sherloc (09022015). Collection method: clinical testing. Allele origin: germline.

CeGaT Center for Human Genetics Tuebingen
Classification: Likely benign. Last evaluated: 2025-11-01. Review status: criteria provided, single submitter. Criteria: CeGaT Center For Human Genetics Tuebingen Variant Classification Criteria Version 2. Collection method: clinical testing. Allele origin: germline. Affected: yes. Observed: 1 variant allele.
Comment: P3H1: BP4, BP7, BS1

Mayo Clinic Laboratories, Mayo Clinic
Classification: Benign. Last evaluated: 2024-11-12. Review status: criteria provided, single submitter. Criteria: ACMG Guidelines, 2015. Collection method: clinical testing. Allele origin: germline. Observed: 1 variant allele.
Comment: BS1, BS2, BP4, BP7

Blueprint Genetics
Classification: Likely benign. Last evaluated: 2024-11-05. Review status: criteria provided, single submitter. Criteria: ACMG Guidelines, 2015. Collection method: clinical testing. Allele origin: germline.

ARUP Laboratories, Molecular Genetics and Genomics, ARUP Laboratories
Classification: Benign for Osteogenesis imperfecta type 8. Last evaluated: 2023-07-27. Review status: criteria provided, single submitter. Criteria: ARUP Molecular Germline Variant Investigation Process 2024. Collection method: clinical testing. Allele origin: germline.

Genome-Nilou Lab
Classification: Benign for Osteogenesis imperfecta type 8. Last evaluated: 2023-04-11. Review status: criteria provided, single submitter. Criteria: ACMG Guidelines, 2015. Collection method: clinical testing. Allele origin: germline. Affected: no.

GeneDx
Classification: Benign. Last evaluated: 2019-04-08. Review status: criteria provided, single submitter. Criteria: GeneDx Variant Classification Process June 2021. Collection method: clinical testing. Allele origin: germline. Affected: yes.

Illumina Laboratory Services, Illumina
Classification: Benign for Osteogenesis imperfecta type 8. Last evaluated: 2018-01-12. Review status: criteria provided, single submitter. Criteria: ICSL Variant Classification Criteria 13 December 2019. Collection method: clinical testing. Allele origin: germline.
Comment: This variant was observed in the ICSL laboratory as part of a predisposition screen in an ostensibly healthy population. It had not been previously curated by ICSL or reported in the Human Gene Mutation Database (HGMD: prior to June 1st, 2018), and was therefore a candidate for classification through an automated scoring system. Utilizing variant allele frequency, disease prevalence and penetrance estimates, and inheritance mode, an automated score was calculated to assess if this variant is too frequent to cause the disease. Based on the score and internal cut-off values, a variant classified as benign is not then subjected to further curation. The score for this variant resulted in a classification of benign for this disease.

NM_022356.4(P3H1):c.2115C>T (p.Leu705=)

Gene: P3H1 (prolyl 3-hydroxylase 1; minus strand). Cytogenetic location: 1p34.2.
Variant type: single nucleotide variant.
Coding change: c.2115C>T on transcript NM_022356.4 (MANE Select); coding-DNA position 2115, C replaced by T.
Protein change: p.Leu705=; no amino-acid change (leucine 705 retained).
Molecular consequence: synonymous variant. On other transcripts: 3 prime UTR variant (2).
Genome position (GRCh38, 1-based): chr1:42,746,793, G>A on the plus strand (C>T on the coding strand, the complement: P3H1 is on the minus strand). VCF-style: chr1-42746793-G-A. GRCh37 (hg19) VCF-style: chr1-43212464-G-A.
Other names: p.Leu705=; c.*40C>T (NM_001146289.2); c.*119C>T (NM_001243246.2).
Identifiers: ClinVar variation 388930 (VCV000388930.28), dbSNP rs199887811, ClinGen allele CA801519.
Genomic context (GRCh38, chr1:42,746,793, plus strand): 5'-GAGAGACTCTTGTGCAGGTTCGGGGGGGCCCTGCTGGGCATCCAGGGGCTGCTCCTGGGA[G>A]AGGTCCATCTCTTCTGGGCTGAAGAGCATCTTCACCAGGTCATCTGCCTGCACCCTGTCC-3'
Protein context (NP_071751.3, residues 695-715): KMLFSPEEMD[Leu705=]SQEQPLDAQQ